The following is an entry in ClinVar:

NM_001118887.2(ANGPT2):c.125G>A (p.Ser42Asn)

Genes: ANGPT2 (angiopoietin 2; minus strand), MCPH1 (microcephalin 1; plus strand). Cytogenetic location: 8p23.1.
Variant type: single nucleotide variant.
Coding change: c.125G>A on transcript NM_001118887.2 (MANE Select); coding-DNA position 125, G replaced by A.
Protein change: p.Ser42Asn; replaces serine 42 with asparagine.
Molecular consequence: missense variant. On other transcripts: intron variant (5).
Genome position (GRCh38, 1-based): chr8:6,562,810, C>T on the plus strand (G>A on the coding strand, the complement: ANGPT2 is on the minus strand). VCF-style: chr8-6562810-C-T. GRCh37 (hg19) VCF-style: chr8-6420331-C-T.
Other names: c.125G>A, p.Ser42Asn (NM_001118888.2, NM_001147.3, NM_001386335.1 and 2 more transcripts); c.2215-58644C>T (NM_001322042.2, NM_024596.5, NM_001363979.1 and 1 more transcripts); c.1936-58644C>T (NM_001363980.2); short protein forms S42N.
Identifiers: ClinVar variation 2811450 (VCV002811450.3), dbSNP rs2488172382, ClinGen allele CA370227033.

ClinVar aggregate classification (germline): Uncertain significance (1 of 4 stars; one submission).

Allele frequency attached by ClinVar (database versions not stated): gnomAD exomes below 0.00001.
gnomAD v4.1: 2 of 1,613,548 alleles (0.00012%); highest among the groups gnomAD compares: Non-Finnish European, 0.00017%; no homozygotes.

Submission:

Labcorp Genetics (formerly Invitae), Labcorp
Classification: Uncertain significance. Last evaluated: 2023-01-04. Review status: criteria provided, single submitter. Criteria: Invitae Variant Classification Sherloc (09022015). Collection method: clinical testing. Allele origin: germline.
Comment: In summary, the available evidence is currently insufficient to determine the role of this variant in disease. Therefore, it has been classified as a Variant of Uncertain Significance. This sequence change replaces serine, which is neutral and polar, with asparagine, which is neutral and polar, at codon 42 of the ANGPT2 protein (p.Ser42Asn). Algorithms developed to predict the effect of missense changes on protein structure and function are either unavailable or do not agree on the potential impact of this missense change (SIFT: "Deleterious"; PolyPhen-2: "Probably Damaging"; Align-GVGD: "Class C0"). This variant has not been reported in the literature in individuals affected with ANGPT2-related conditions. This variant is not present in population databases (gnomAD no frequency).